The following is an entry in ClinVar:

ClinVar aggregate classification (germline): Uncertain significance. Review status: criteria provided, multiple submitters, no conflicts (2 of 4 stars). 3 submissions from 3 submitters: Uncertain significance (3). Last evaluated 2026-08-07.

Conditions:
Hereditary nonpolyposis colorectal neoplasms. Identifiers: MedGen C0009405, MeSH D003123.
Hereditary cancer-predisposing syndrome. Also called: Neoplastic Syndromes, Hereditary; Hereditary neoplastic syndrome; Hereditary Cancer Syndrome; Tumor predisposition. Identifiers: Orphanet 140162, MedGen C0027672, MeSH D009386, MONDO:0015356.

Submissions (3):

Ambry Genetics
Classification: Uncertain significance for Hereditary cancer-predisposing syndrome. Last evaluated: 2026-08-07. Review status: criteria provided, single submitter. Criteria: Ambry Variant Classification Scheme 2023. Collection method: clinical testing. Allele origin: germline.
Comment: The p.A38S variant (also known as c.112G>T), located in coding exon 2 of the PMS2 gene, results from a G to T substitution at nucleotide position 112. The alanine at codon 38 is replaced by serine, an amino acid with similar properties. This amino acid position is highly conserved in available vertebrate species. In addition, this alteration is predicted to be deleterious by in silico analysis. Based on the available evidence, the clinical significance of this variant remains unclear.

Labcorp Genetics (formerly Invitae), Labcorp
Classification: Uncertain significance for Hereditary nonpolyposis colorectal neoplasms. Last evaluated: 2025-09-22. Review status: criteria provided, single submitter. Criteria: Invitae Variant Classification Sherloc (09022015). Collection method: clinical testing. Allele origin: germline.
Comment: This sequence change replaces alanine, which is neutral and non-polar, with serine, which is neutral and polar, at codon 38 of the PMS2 protein (p.Ala38Ser). This variant is not present in population databases (gnomAD no frequency). This variant has not been reported in the literature in individuals affected with PMS2-related conditions. ClinVar contains an entry for this variant (Variation ID: 455639). Invitae Evidence Modeling incorporating data from in vitro experimental studies (internal data) indicates that this missense variant is not expected to disrupt PMS2 function with a negative predictive value of 95%. In summary, the available evidence is currently insufficient to determine the role of this variant in disease. Therefore, it has been classified as a Variant of Uncertain Significance.

Sema4
Classification: Uncertain significance for Hereditary cancer-predisposing syndrome. Last evaluated: 2021-12-10. Review status: criteria provided, single submitter. Criteria: Sema4 Curation Guidelines. Collection method: curation. Allele origin: germline.
Comment: To the best of our knowledge, the PMS2 c.112G>T (p.A38S) variant has not been reported in individuals with PMS2-related disease. It was not observed in the large and broad cohorts of the Genome Aggregation Database (PMID: 32461654). This variant has been reported in ClinVar (Variation ID 455639). In silico tools suggest the impact of the variant on protein function is deleterious, though these predictions have not been confirmed by functional studies. The evidence is insufficient to meet ACMG/AMP criteria for classifying the variant as benign or pathogenic. Thus, the clinical significance of this variant is currently uncertain.

NM_000535.7(PMS2):c.112G>T (p.Ala38Ser)

Gene: PMS2 (PMS1 homolog 2, mismatch repair system component; minus strand). Cytogenetic location: 7p22.1.
Variant type: single nucleotide variant.
Coding change: c.112G>T on transcript NM_000535.7 (MANE Select); coding-DNA position 112, G replaced by T.
Protein change: p.Ala38Ser; replaces alanine 38 with serine.
Molecular consequence: missense variant. On other transcripts: 5 prime UTR variant (8), non-coding transcript variant (1), intron variant (3).
Genome position (GRCh38, 1-based): chr7:6,005,943, C>A on the plus strand (G>T on the coding strand, the complement: PMS2 is on the minus strand). VCF-style: chr7-6005943-C-A. GRCh37 (hg19) VCF-style: chr7-6045574-C-A.
Other names: c.-294G>T (NM_001322003.2, NM_001322005.2, NM_001322009.2 and 1 more transcripts); c.112G>T, p.Ala38Ser (NM_001322006.2, NM_001322014.2); c.-104G>T (NM_001322007.2); c.-773G>T (NM_001322011.2, NM_001322012.2); c.-373G>T (NM_001322015.2); c.-52-1885G>T (NM_001322008.2); c.-242-1885G>T (NM_001322010.2, NM_001322004.2); short protein forms A38S.
Identifiers: ClinVar variation 455639 (VCV000455639.12), dbSNP rs1554306427, ClinGen allele CA366745043.